The following is an entry in ClinVar:

NM_000053.4(ATP7B):c.-210A>T

Gene: ATP7B (ATPase copper transporting beta; minus strand). Cytogenetic location: 13q14.3.
Variant type: single nucleotide variant.
Coding change: c.-210A>T on transcript NM_000053.4 (MANE Select); 210 bases upstream of the start codon, A replaced by T.
Molecular consequence: genic upstream transcript variant. On other transcripts: 5 prime UTR variant (2), intron variant (11).
Genome position (GRCh38, 1-based): chr13:52,011,547, T>A on the plus strand (A>T on the coding strand, the complement: ATP7B is on the minus strand). VCF-style: chr13-52011547-T-A. GRCh37 (hg19) VCF-style: chr13-52585683-T-A.
Other names: c.-210A>T (NM_001406528.1, NM_001406532.1); c.-54-156A>T (NM_001406541.1, NM_001406531.1, NM_001406527.1 and 4 more transcripts); c.-183-156A>T (NM_001406543.1); c.-55+110A>T (NM_001406522.1, NM_001406516.1, NM_001406512.1).
Identifiers: ClinVar variation 2683788 (VCV002683788.4), dbSNP rs1479475149, ClinGen allele CA609974060.

ClinVar aggregate classification (germline): Conflicting classifications of pathogenicity. Review status: criteria provided, conflicting classifications (1 of 4 stars). 3 submissions from 3 submitters: Likely pathogenic (1); Uncertain significance (2). Last evaluated 2024-12-11.

Conditions:
Wilson disease (WND). Also called: Wilson's disease. Identifiers: Orphanet 905, MedGen C0019202, MONDO:0010200, OMIM 277900. Disease mechanism: loss of function.

Allele frequency attached by ClinVar (database versions not stated): gnomAD exomes 0.00001; gnomAD 0.00002; TOPMed 0.00003.
gnomAD v4.1: 9 of 655,938 alleles (0.0014%); highest among the groups gnomAD compares: East Asian, 0.022%; no homozygotes.

Submissions (3):

GeneDx
Classification: Likely pathogenic. Last evaluated: 2024-12-11. Review status: criteria provided, single submitter. Criteria: GeneDx Variant Classification Process June 2021. Collection method: clinical testing. Allele origin: germline. Affected: yes.
Comment: Reported in individuals with Wilson Disease who harbored other variants in ATP7B (PMID: 20931554, 24878384); Published functional studies demonstrate a damaging effect of decreased promoter activity (PMID: 20931554); Not observed at significant frequency in large population cohorts (gnomAD); Observed on the same allele (in cis) with c.1708-1 G>C in two unrelated patients with Wilson disease (PMID: 31796634); Also known as c.-215 A>T; This variant is associated with the following publications: (PMID: 20931554, 24878384, 31796634)

Chongqing Key Laboratory of Child Rare Diseases in Infection and Immunity, Children’s Hospital of Chongqing Medical University
Classification: Uncertain significance for Wilson disease. Last evaluated: 2024-01-01. Review status: criteria provided, single submitter. Criteria: ACMG Guidelines, 2015. Collection method: clinical testing. Allele origin: germline. Inheritance: Autosomal recessive inheritance. Affected: yes.
Comment: Classified as Uncertain significance according to the ACMG/AMP 2015 guidelines (PMID:25741868). The classification was based on the available submitted evidence for Wilson disease (OMIM:277900), including clinical-testing observations, variant consequence/protein annotation, and published or ClinVar evidence where available. Supporting information considered: variant annotation: Splicing; submitted notation: NM_000053.4:c.-210A>T; source variant type: Splicing; source domain: NA; allele count n=230: 2.

Mayo Clinic Laboratories, Mayo Clinic
Classification: Uncertain significance. Last evaluated: 2023-02-02. Review status: criteria provided, single submitter. Criteria: ACMG Guidelines, 2015. Collection method: clinical testing. Allele origin: germline. Observed: 1 variant allele.
Comment: BP2, PM2

Literature cited by the submitters: PubMed 20931554 (cited by Mayo Clinic Laboratories, Mayo Clinic); PubMed 24878384 (cited by Mayo Clinic Laboratories, Mayo Clinic); PubMed 31796634 (cited by Mayo Clinic Laboratories, Mayo Clinic).